The following is an entry in ClinVar:

NM_005060.4(RORC):c.855C>T (p.Cys285=)

Gene: RORC (RAR related orphan receptor C; minus strand). Cytogenetic location: 1q21.3.
Variant type: single nucleotide variant.
Coding change: c.855C>T on transcript NM_005060.4 (MANE Select); coding-DNA position 855, C replaced by T.
Protein change: p.Cys285=; no amino-acid change (cysteine 285 retained).
Molecular consequence: synonymous variant.
Genome position (GRCh38, 1-based): chr1:151,814,652, G>A on the plus strand (C>T on the coding strand, the complement: RORC is on the minus strand). VCF-style: chr1-151814652-G-A. GRCh37 (hg19) VCF-style: chr1-151787128-G-A.
Other names: c.855C>T (NM_005060.3); c.792C>T, p.Cys264= (NM_001001523.2).
Identifiers: ClinVar variation 2149782 (VCV002149782.6), dbSNP rs1286576517, ClinGen allele CA420774478.

ClinVar aggregate classification (germline): Likely benign. Review status: criteria provided, single submitter (1 of 4 stars). 2 submissions from 2 submitters: Likely benign (1). 1 of the submissions does not count toward it. Last evaluated 2025-07-06.

Conditions:
Autosomal recessive mendelian susceptibility to mycobacterial diseases due to complete RORgamma receptor deficiency. Also called: Immunodeficiency 42. Identifiers: Orphanet 477857, MedGen C5567647, MONDO:0014710, OMIM 616622.
RORC-related disorder. Also called: RORC-related condition.

Allele frequency attached by ClinVar (database versions not stated): TOPMed below 0.00001; gnomAD exomes 0.00001.
gnomAD v4.1: 9 of 1,612,836 alleles (0.00056%); highest among the groups gnomAD compares: Middle Eastern, 0.033%; no homozygotes.

Submissions (2):

Labcorp Genetics (formerly Invitae), Labcorp
Classification: Likely benign for Autosomal recessive mendelian susceptibility to mycobacterial diseases due to complete RORgamma receptor deficiency. Last evaluated: 2025-07-06. Review status: criteria provided, single submitter. Criteria: Invitae Variant Classification Sherloc (09022015). Collection method: clinical testing. Allele origin: germline.

PreventionGenetics, part of Exact Sciences
Classification: Likely benign for RORC-related condition. Last evaluated: 2019-07-02. Review status: no assertion criteria provided. Collection method: clinical testing. Allele origin: germline. Not counted in ClinVar's aggregate classification.
Comment: This variant is classified as likely benign based on ACMG/AMP sequence variant interpretation guidelines (Richards et al. 2015 PMID: 25741868, with internal and published modifications).